The following is an entry in ClinVar:

ClinVar aggregate classification (germline): Likely benign. Review status: criteria provided, multiple submitters, no conflicts (2 of 4 stars). 4 submissions from 4 submitters: Likely benign (4). Last evaluated 2026-05-13.

Conditions:
Neurofibromatosis, type 1 (NF1). Also called: Neurofibromatosis, type I; NEUROFIBROMATOSIS, TYPE I, SOMATIC; VON RECKLINGHAUSEN DISEASE; Peripheral type neurofibromatosis. Identifiers: Orphanet 636, MedGen C0027831, MONDO:0018975, OMIM 162200. Disease mechanism: loss of function.

Submissions (4):

Myriad Genetics, Inc.
Classification: Likely benign for Neurofibromatosis, type 1. Last evaluated: 2026-05-13. Review status: criteria provided, single submitter. Criteria: Myriad Autosomal Dominant, Autosomal Recessive and X-Linked Classification Criteria (2023). Collection method: clinical testing. Allele origin: unknown.
Comment: This variant is considered likely benign. This variant is intronic and is not expected to impact mRNA splicing.

Genome-Nilou Lab
Classification: Likely benign for Neurofibromatosis, type 1. Last evaluated: 2022-03-15. Review status: criteria provided, single submitter. Criteria: ACMG Guidelines, 2015. Collection method: clinical testing. Allele origin: germline. Affected: no.

GeneDx
Classification: Likely benign. Last evaluated: 2018-07-09. Review status: criteria provided, single submitter. Criteria: GeneDx Variant Classification Process June 2021. Collection method: clinical testing. Allele origin: germline. Affected: yes.

Labcorp Genetics (formerly Invitae), Labcorp
Classification: Likely benign for Neurofibromatosis, type 1. Last evaluated: 2017-06-17. Review status: criteria provided, single submitter. Criteria: Invitae Variant Classification Sherloc (09022015). Collection method: clinical testing. Allele origin: germline.

NM_001042492.3(NF1):c.7063-7_7063-6delinsC

Gene: NF1 (neurofibromin 1; plus strand). Cytogenetic location: 17q11.2.
Variant type: Indel.
Coding change: c.7063-7_7063-6delinsC on transcript NM_001042492.3 (MANE Select); 7 bases into the intron before coding-DNA position 7063 through 6 bases into the intron before coding-DNA position 7063, TT replaced by C.
Molecular consequence: intron variant.
Genome position (GRCh38, 1-based): chr17:31,343,002-31,343,003, TT replaced by C. VCF-style: chr17-31343002-TT-C. GRCh37 (hg19) VCF-style: chr17-29670020-TT-C.
Other names: c.7000-7_7000-6delTTinsC (NM_000267.3); c.7000-7_7000-6delinsC (NM_000267.4).
Identifiers: ClinVar variation 221040 (VCV000221040.8), dbSNP rs864622725, ClinGen allele CA348818.
Genomic context (GRCh38, chr17:31,343,002, plus strand): 5'-TTAAGTGAGCCTTTAAAGAAAGCTACTGTGTGAACCTCATCAACCATCTCATGATTATCT[TT>C]AATAGAGTCCAGAGGAAGTATTTATGGCAATCCGGAATCCTCTGGAGTGGCACTGCAAGC-3'